The following is an entry in ClinVar:

ClinVar aggregate classification (germline): Pathogenic/Likely pathogenic. Review status: criteria provided, multiple submitters, no conflicts (2 of 4 stars). 4 submissions from 4 submitters: Pathogenic (2); Likely pathogenic (2). Last evaluated 2026-04-02.

Conditions:
KIAA0586-related disorder. Also called: KIAA0586-related condition; KIAA0586- Related disorders.
Short-rib thoracic dysplasia 14 with polydactyly (SRTD14). Identifiers: Orphanet 397715, MedGen C4225286, MONDO:0014688, OMIM 616546.
Joubert syndrome 23 (JBTS23). Identifiers: Orphanet 475, MedGen C4084822, MONDO:0014664, OMIM 616490.

Allele frequency attached by ClinVar (database versions not stated): TOPMed 0.00002; ExAC 0.00004; gnomAD exomes 0.00005.

Submissions (4):

Victorian Clinical Genetics Services, Murdoch Childrens Research Institute
Classification: Pathogenic for Joubert syndrome 23. Last evaluated: 2026-04-02. Review status: criteria provided, single submitter. Criteria: ACMG Guidelines, 2015. Collection method: clinical testing. Allele origin: germline. Affected: yes.
Comment: This variant is classified as Pathogenic. Evidence in support of pathogenic classification: Variant is predicted to cause nonsense-mediated decay (NMD) and loss of protein (premature termination codon is located at least 54 nucleotides upstream of the final exon-exon junction); Variant is present in gnomAD <0.01 for a recessive condition (v4: 65 heterozygote(s), 0 homozygote(s)); This variant has limited previous evidence of pathogenicity in unrelated individuals. This variant has been classified as pathogenic/likely pathogenic by clinical laboratories in ClinVar; Other NMD-predicted variants comparable to the one identified in this case have very strong previous evidence for pathogenicity (DECIPHER). Additional information: This variant is heterozygous; This gene is associated with autosomal recessive disease; Loss of function is a known mechanism of disease in this gene and is associated with Joubert syndrome 23 (MIM#616490), and short-rib thoracic dysplasia 14 with polydactyly (MIM#616546).

Labcorp Genetics (formerly Invitae), Labcorp
Classification: Pathogenic for Joubert syndrome 23; Short-rib thoracic dysplasia 14 with polydactyly. Last evaluated: 2025-12-02. Review status: criteria provided, single submitter. Criteria: Invitae Variant Classification Sherloc (09022015). Collection method: clinical testing. Allele origin: germline.
Comment: This sequence change creates a premature translational stop signal (p.Ile1318Asnfs*9) in the KIAA0586 gene. It is expected to result in an absent or disrupted protein product. Loss-of-function variants in KIAA0586 are known to be pathogenic (PMID: 26096313, 26166481, 26386044). This variant is present in population databases (rs764118184, gnomAD 0.005%). This variant has not been reported in the literature in individuals affected with KIAA0586-related conditions. ClinVar contains an entry for this variant (Variation ID: 2582362). For these reasons, this variant has been classified as Pathogenic.

Blueprint Genetics
Classification: Likely pathogenic for KIAA0586-related disorders. Last evaluated: 2024-04-16. Review status: criteria provided, single submitter. Criteria: ACMG Guidelines, 2015. Collection method: clinical testing. Allele origin: germline. Affected: yes. Observed: 1 variant allele.

Baylor Genetics
Classification: Likely pathogenic for Joubert syndrome 23. Last evaluated: 2023-02-08. Review status: criteria provided, single submitter. Criteria: ACMG Guidelines, 2015. Collection method: clinical testing. Allele origin: unknown.

Literature cited by the submitters: PubMed 26096313 (cited by Labcorp Genetics (formerly Invitae), Labcorp); PubMed 26166481 (cited by Labcorp Genetics (formerly Invitae), Labcorp); PubMed 26386044 (cited by Labcorp Genetics (formerly Invitae), Labcorp).

NM_001329943.3(KIAA0586):c.3793dup (p.Ile1265fs)

Gene: KIAA0586 (KIAA0586; plus strand). Cytogenetic location: 14q23.1.
Variant type: Duplication.
Coding change: c.3793dup on transcript NM_001329943.3 (MANE Select); coding-DNA position 3793, one base duplicated (A; older notation c.3793dupA).
Protein change: p.Ile1265fs; shifts the reading frame from isoleucine 1265.
Molecular consequence: frameshift variant.
Genome position (GRCh38, 1-based): chr14:58,490,175, A duplicated. VCF-style (leftmost placement, unchanged base first): chr14-58490174-T-TA. GRCh37 (hg19) VCF-style: chr14-58956892-T-TA.
Other names: c.3952dup, p.Ile1318fs (NM_001244189.2); c.3748dup, p.Ile1250fs (NM_001244190.2); c.3538dup, p.Ile1180fs (NM_001244191.2, NM_001329945.2, NM_001364700.1 and 1 more transcripts); c.3661dup, p.Ile1221fs (NM_001244192.2); c.3373dup, p.Ile1125fs (NM_001244193.2); c.3793dup, p.Ile1265fs (NM_001329944.2, NM_001329946.2, NM_001329947.2); c.3565dup, p.Ile1189fs (NM_014749.5); short protein forms I1125fs, I1180fs, I1189fs, I1221fs, I1250fs, I1265fs, I1318fs.
Identifiers: ClinVar variation 2582362 (VCV002582362.6), dbSNP rs764118184, ClinGen allele CA7206263.